The following is an entry in ClinVar:

ClinVar aggregate classification (germline): Uncertain significance. Review status: criteria provided, single submitter (1 of 4 stars). 2 submissions from 2 submitters: Uncertain significance (1). 1 of the submissions does not count toward it. Last evaluated 2025-10-02.

Conditions:
SIM1-related disorder. Also called: SIM1-related disorders; SIM1-related condition.

Allele frequency attached by ClinVar (database versions not stated): ExAC 0.00001; gnomAD 0.00001; gnomAD exomes 0.00002; TOPMed 0.00002.
gnomAD v4.1: 12 of 1,529,800 alleles (0.00078%); highest among the groups gnomAD compares: Non-Finnish European, 0.00097%; no homozygotes.

Submissions (2):

Labcorp Genetics (formerly Invitae), Labcorp
Classification: Uncertain significance. Last evaluated: 2025-10-02. Review status: criteria provided, single submitter. Criteria: Invitae Variant Classification Sherloc (09022015). Collection method: clinical testing. Allele origin: germline.
Comment: This sequence change replaces isoleucine, which is neutral and non-polar, with serine, which is neutral and polar, at codon 522 of the SIM1 protein (p.Ile522Ser). This variant is present in population databases (rs756695640, gnomAD 0.004%). This variant has not been reported in the literature in individuals affected with SIM1-related conditions. ClinVar contains an entry for this variant (Variation ID: 1905406). An algorithm developed to predict the effect of missense changes on protein structure and function (PolyPhen-2) suggests that this variant is likely to be tolerated. In summary, the available evidence is currently insufficient to determine the role of this variant in disease. Therefore, it has been classified as a Variant of Uncertain Significance.

PreventionGenetics, part of Exact Sciences
Classification: Uncertain significance for SIM1-related condition. Last evaluated: 2024-05-24. Review status: no assertion criteria provided. Collection method: clinical testing. Allele origin: germline. Not counted in ClinVar's aggregate classification.
Comment: The SIM1 c.1565T>G variant is predicted to result in the amino acid substitution p.Ile522Ser. To our knowledge, this variant has not been reported in the literature. This variant is reported in 0.0040% of alleles in individuals of Latino descent in gnomAD. At this time, the clinical significance of this variant is uncertain due to the absence of conclusive functional and genetic evidence.

NM_005068.3(SIM1):c.1565T>G (p.Ile522Ser)

Genes: SIM1 (SIM bHLH transcription factor 1; minus strand), SIM1-AS1 (SIM1 antisense RNA 1; plus strand). Cytogenetic location: 6q16.3.
Variant type: single nucleotide variant.
Coding change: c.1565T>G on transcript NM_005068.3 (MANE Select); coding-DNA position 1565, T replaced by G.
Protein change: p.Ile522Ser; replaces isoleucine 522 with serine.
Molecular consequence: missense variant.
Genome position (GRCh38, 1-based): chr6:100,393,492, A>C on the plus strand (T>G on the coding strand, the complement: SIM1 is on the minus strand). VCF-style: chr6-100393492-A-C. GRCh37 (hg19) VCF-style: chr6-100841368-A-C.
Other names: c.1565T>G (NM_005068.2); c.1565T>G, p.Ile522Ser (NM_001374769.1); short protein forms I522S.
Identifiers: ClinVar variation 1905406 (VCV001905406.6), dbSNP rs756695640, ClinGen allele CA3936995.
Genomic context (GRCh38, chr6:100,393,492, plus strand): 5'-GAACCTGCCCAGGGCCTAATGCTTGGAGTTCGGGAACCCTTTCACCTGCTCTTACCATGG[A>C]TCCTGTGGACTGAAGCGATGTGAGGCATGCTGTTTTCATAGGCTTCTCTGCTTTCTGGGG-3'
Protein context (NP_005059.2, residues 512-532): SMPHIASVHR[Ile522Ser]HGRGHWDEDS